The following is an entry in ClinVar:

NM_002354.3(EPCAM):c.579del (p.Ile193fs)

Gene: EPCAM (epithelial cell adhesion molecule; plus strand). Cytogenetic location: 2p21.
Variant type: Deletion.
Coding change: c.579del on transcript NM_002354.3 (MANE Select); coding-DNA position 579, one base deleted (T; older notation c.579delT).
Protein change: p.Ile193fs; shifts the reading frame from isoleucine 193.
Molecular consequence: frameshift variant.
Genome position (GRCh38, 1-based): chr2:47,378,976, T deleted; the last of 2 consecutive T bases (chr2:47,378,975-47,378,976); deleting either gives the same sequence. VCF-style (leftmost placement, unchanged base first): chr2-47378974-AT-A. GRCh37 (hg19) VCF-style: chr2-47606113-AT-A.
Other names: short protein forms I193fs.
Identifiers: ClinVar variation 3255335 (VCV003255335.1).

ClinVar aggregate classification (germline): Pathogenic (1 of 4 stars; one submission).

Conditions:
Congenital diarrhea 5 with tufting enteropathy. Also called: INTESTINAL EPITHELIAL CELL DYSPLASIA; Congenital tufting enteropathy. Identifiers: Orphanet 92050, MedGen C2750737, MONDO:0013184, OMIM 613217.

Submission:

Aleixo Muise Laboratory, Hospital For Sick Children
Classification: Pathogenic for Congenital diarrhea 5 with tufting enteropathy. Last evaluated: 2024-07-05. Review status: criteria provided, single submitter. Criteria: ACMG Guidelines, 2015. Collection method: research. Allele origin: germline. Affected: yes. Observed: 2 variant alleles.
Comment: PVS1;PM2;PM5;PP1;PP3;PP4